The following is an entry in ClinVar:

NM_015443.4(KANSL1):c.1910G>A (p.Gly637Asp)

Gene: KANSL1 (KAT8 regulatory NSL complex subunit 1). Cytogenetic location: 17q21.31.
Variant type: single nucleotide variant.
Coding change: c.1910G>A on transcript NM_015443.4 (MANE Select); coding-DNA position 1910, G replaced by A.
Protein change: p.Gly637Asp; replaces glycine 637 with aspartic acid.
Molecular consequence: missense variant.
Genome position (GRCh38, 1-based): chr17:46,050,643, C>T on the plus strand (G>A on the coding strand, the complement: KANSL1 is on the minus strand). VCF-style: chr17-46050643-C-T. GRCh37 (hg19) VCF-style: chr17-44128009-C-T.
Other names: c.1910G>A, p.Gly637Asp (NM_001193465.2, NM_001193466.2, NM_001379198.1 and 14 more transcripts); c.1808G>A, p.Gly603Asp (NM_001405859.1, NM_001405860.1, NM_001405861.1 and 1 more transcripts); c.644G>A, p.Gly215Asp (NM_001405882.1, NM_001405883.1, NM_001405884.1 and 1 more transcripts); short protein forms G215D, G637D, G603D.
Identifiers: ClinVar variation 3668571 (VCV003668571.2).
Genomic context (GRCh38, chr17:46,050,643, plus strand): 5'-CGTTCCAACAGAGGGGCTTCATAGTGAATTTCGGGAGGCATGGTGTTGATGCTGCCTGAA[C>T]CACACAGTGCGCAGGAGGGATTCACATCACAGCCAGGGCGGATTGTGCTGTTCCGGTGAA-3'
Protein context (NP_056258.1, residues 627-647): CDVNPSCALC[Gly637Asp]SGSINTMPPE

ClinVar aggregate classification (germline): Uncertain significance (1 of 4 stars; one submission).

Conditions:
Koolen-de Vries syndrome (KDVS). Identifiers: Orphanet 96169, MedGen C1864871, MONDO:0012496, OMIM 610443.

gnomAD v4.1: 1 of 1,614,154 alleles (0.000062%); highest among the groups gnomAD compares: South Asian, 0.0011%; no homozygotes.

Submission:

Labcorp Genetics (formerly Invitae), Labcorp
Classification: Uncertain significance for Koolen-de Vries syndrome. Last evaluated: 2024-02-18. Review status: criteria provided, single submitter. Criteria: Invitae Variant Classification Sherloc (09022015). Collection method: clinical testing. Allele origin: germline.
Comment: This sequence change replaces glycine, which is neutral and non-polar, with aspartic acid, which is acidic and polar, at codon 637 of the KANSL1 protein (p.Gly637Asp). This variant is not present in population databases (gnomAD no frequency). This variant has not been reported in the literature in individuals affected with KANSL1-related conditions. Advanced modeling of protein sequence and biophysical properties (such as structural, functional, and spatial information, amino acid conservation, physicochemical variation, residue mobility, and thermodynamic stability) performed at Invitae indicates that this missense variant is not expected to disrupt KANSL1 protein function with a negative predictive value of 80%. In summary, the available evidence is currently insufficient to determine the role of this variant in disease. Therefore, it has been classified as a Variant of Uncertain Significance.